The following is an entry in ClinVar:

NM_000038.6(APC):c.4692_4699del (p.Leu1564fs)

Gene: APC (APC regulator of Wnt signaling pathway; plus strand). Cytogenetic location: 5q22.2.
Variant type: Deletion.
Coding change: c.4692_4699del on transcript NM_000038.6 (MANE Select); coding-DNA positions 4692 to 4699, 8 bases deleted (AGATGATT; older notation c.4692_4699delAGATGATT).
Protein change: p.Leu1564fs; shifts the reading frame from leucine 1564.
Molecular consequence: frameshift variant. On other transcripts: non-coding transcript variant (2).
Genome position (GRCh38, 1-based): chr5:112,840,286-112,840,293, AGATGATT deleted; deleting any 8 consecutive bases within chr5:112,840,283-112,840,293 gives the same sequence; the c. name uses the placement nearest the transcript's 3' end. VCF-style (leftmost placement, unchanged base first): chr5-112840282-TATTAGATG-T. GRCh37 (hg19) VCF-style: chr5-112175979-TATTAGATG-T.
Other names: c.4692_4699del, p.Leu1564fs (NM_001127510.3, NM_001354895.2, NM_001407450.1); c.4638_4645del, p.Leu1546fs (NM_001127511.3); c.4746_4753del, p.Leu1582fs (NM_001354896.2, NM_001407447.1, NM_001407448.1 and 1 more transcripts); c.4722_4729del, p.Leu1574fs (NM_001354897.2); c.4617_4624del, p.Leu1539fs (NM_001354898.2); c.4608_4615del, p.Leu1536fs (NM_001354899.2); c.4569_4576del, p.Leu1523fs (NM_001354900.2); c.4515_4522del, p.Leu1505fs (NM_001354901.2, NM_001407453.1); and 11 more; short protein forms L1180fs, L1438fs, L1539fs, L1574fs, L1582fs, L1281fs, L1404fs, L1463fs.
Identifiers: ClinVar variation 3658846 (VCV003658846.2).

ClinVar aggregate classification (germline): Pathogenic (1 of 4 stars; one submission).

Conditions:
Familial adenomatous polyposis 1 (FAP1). Also called: FAMILIAL ADENOMATOUS POLYPOSIS 1, ATTENUATED; POLYPOSIS, ADENOMATOUS INTESTINAL. Identifiers: MedGen C2713442, MONDO:0021056, OMIM 175100. Disease mechanism: loss of function.

Submission:

Labcorp Genetics (formerly Invitae), Labcorp
Classification: Pathogenic for Familial adenomatous polyposis 1. Last evaluated: 2024-11-04. Review status: criteria provided, single submitter. Criteria: Invitae Variant Classification Sherloc (09022015). Collection method: clinical testing. Allele origin: germline.
Comment: This sequence change creates a premature translational stop signal (p.Leu1564Phefs*3) in the APC gene. While this is not anticipated to result in nonsense mediated decay, it is expected to disrupt the last 1280 amino acid(s) of the APC protein. This variant is not present in population databases (gnomAD no frequency). This premature translational stop signal has been observed in individual(s) with familial adenomatous polyposis (PMID: 20685668). A different truncation (p.Tyr2645Lysfs*14) that lies downstream of this variant has been determined to be pathogenic (PMID: 9824584, 1316610, 27081525, 8381579, 22135120, internal data). This suggests that deletion of this region of the APC protein is causative of disease. This variant is expected to disrupt the EB1 and HDLG binding sites, which mediate interactions with the cytoskeleton (PMID: 15311282, 17293347). While functional studies have not been performed to directly test the effect on APC protein function, this suggests that disruption of the C-terminal portion of the protein is functionally important. For these reasons, this variant has been classified as Pathogenic.

Literature cited by the submitters: PubMed 20685668; PubMed 9824584; PubMed 1316610; PubMed 27081525; PubMed 8381579; PubMed 22135120; PubMed 15311282; PubMed 17293347.